The following is an entry in ClinVar:

ClinVar aggregate classification (germline): Uncertain significance (1 of 4 stars; one submission).

Conditions:
Hereditary cancer-predisposing syndrome. Also called: Neoplastic Syndromes, Hereditary; Tumor predisposition; Hereditary Cancer Syndrome; Hereditary neoplastic syndrome. Identifiers: Orphanet 140162, MedGen C0027672, MeSH D009386, MONDO:0015356.

Submission:

Ambry Genetics
Classification: Uncertain significance for Hereditary cancer-predisposing syndrome. Last evaluated: 2022-10-01. Review status: criteria provided, single submitter. Criteria: Ambry Variant Classification Scheme 2023. Collection method: clinical testing. Allele origin: germline.
Comment: The p.E359V variant (also known as c.1076A>T), located in coding exon 7 of the CTNNA1 gene, results from an A to T substitution at nucleotide position 1076. The glutamic acid at codon 359 is replaced by valine, an amino acid with dissimilar properties. This amino acid position is conserved. In addition, this alteration is predicted to be tolerated by in silico analysis. Since supporting evidence is limited at this time, the clinical significance of this alteration remains unclear.

NM_001903.5(CTNNA1):c.1076A>T (p.Glu359Val)

Gene: CTNNA1 (catenin alpha 1; plus strand). Cytogenetic location: 5q31.2.
Variant type: single nucleotide variant.
Coding change: c.1076A>T on transcript NM_001903.5 (MANE Select); coding-DNA position 1076, A replaced by T.
Protein change: p.Glu359Val; replaces glutamic acid 359 with valine.
Molecular consequence: missense variant. On other transcripts: 5 prime UTR variant (26), intron variant (2).
Genome position (GRCh38, 1-based): chr5:138,886,225, A>T. VCF-style: chr5-138886225-A-T. GRCh37 (hg19) VCF-style: chr5-138221914-A-T.
Other names: c.1076A>T, p.Glu359Val (NM_001290307.3, NM_001323982.2, NM_001323983.1 and 3 more transcripts); c.767A>T, p.Glu256Val (NM_001290309.3); c.707A>T, p.Glu236Val (NM_001290310.3); c.-35A>T (NM_001290312.1, NM_001323987.1, NM_001323988.1 and 18 more transcripts); c.-432A>T (NM_001324006.1, NM_001324007.1, NM_001324008.1 and 1 more transcripts); c.-307A>T (NM_001324013.1); c.-58+10628A>T (NM_001324012.1); c.-61+10628A>T (NM_001324010.1); short protein forms E236V, E359V, E256V.
Identifiers: ClinVar variation 1784883 (VCV001784883.2), dbSNP rs2532980386, ClinGen allele CA361132495.